The following is an entry in ClinVar:

ClinVar aggregate classification (germline): Uncertain significance. Review status: criteria provided, multiple submitters, no conflicts (2 of 4 stars). 4 submissions from 4 submitters: Uncertain significance (4). Last evaluated 2026-07-28.

Conditions:
Bardet-Biedl syndrome (BBS). Identifiers: Orphanet 110, MedGen C0752166, MONDO:0015229.
Bardet-Biedl syndrome 5 (BBS5). Identifiers: Orphanet 110, MedGen C3892039, MONDO:0014434, OMIM 615983.
BBS5-related disorder. Also called: BBS5-related condition.

Allele frequency attached by ClinVar (database versions not stated): ExAC 0.00002; gnomAD exomes 0.00004; gnomAD 0.00018; 1000 Genomes Project 0.00020; TOPMed 0.00023; 1000 Genomes Project 30x 0.00031.
gnomAD v4.1: 49 of 1,609,856 alleles (0.003%); highest among the groups gnomAD compares: Admixed American, 0.08%; 1 homozygote.

Submissions (4):

PreventionGenetics, part of Exact Sciences
Classification: Uncertain significance for BBS5-related condition. Last evaluated: 2026-07-28. Review status: criteria provided, single submitter. Criteria: ACMG Guidelines, 2015. Collection method: clinical testing. Allele origin: germline.
Comment: The BBS5 c.197G>A variant is predicted to result in the amino acid substitution p.Arg66Lys. To our knowledge, this variant has not been reported in the literature. This variant is reported in 0.031% of alleles in individuals of Latino descent in gnomAD. However, in gnomAD v4 (available only on GRCh38), this variant is reported in 0.080% of alleles in the Admixed American subpopulation, including one homozygote. This population data is not consistent with this variant being a primary cause of disease. Although we suspect this variant is benign, the clinical significance of this variant is uncertain at this time due to the absence of conclusive functional and genetic evidence.

Labcorp Genetics (formerly Invitae), Labcorp
Classification: Uncertain significance for Bardet-Biedl syndrome. Last evaluated: 2025-01-13. Review status: criteria provided, single submitter. Criteria: Invitae Variant Classification Sherloc (09022015). Collection method: clinical testing. Allele origin: germline.
Comment: This sequence change replaces arginine, which is basic and polar, with lysine, which is basic and polar, at codon 66 of the BBS5 protein (p.Arg66Lys). This variant is present in population databases (rs200250398, gnomAD 0.03%). This variant has not been reported in the literature in individuals affected with BBS5-related conditions. ClinVar contains an entry for this variant (Variation ID: 1381795). Invitae Evidence Modeling of protein sequence and biophysical properties (such as structural, functional, and spatial information, amino acid conservation, physicochemical variation, residue mobility, and thermodynamic stability) indicates that this missense variant is not expected to disrupt BBS5 protein function with a negative predictive value of 80%. Algorithms developed to predict the effect of sequence changes on RNA splicing suggest that this variant may disrupt the consensus splice site. In summary, the available evidence is currently insufficient to determine the role of this variant in disease. Therefore, it has been classified as a Variant of Uncertain Significance.

Fulgent Genetics
Classification: Uncertain significance for Bardet-Biedl syndrome 5. Last evaluated: 2024-06-24. Review status: criteria provided, single submitter. Criteria: ACMG Guidelines, 2015. Collection method: clinical testing. Allele origin: germline.

Blueprint Genetics
Classification: Uncertain significance. Last evaluated: 2020-10-26. Review status: criteria provided, single submitter. Criteria: ACMG Guidelines, 2015. Collection method: clinical testing. Allele origin: germline.

NM_152384.3(BBS5):c.197G>A (p.Arg66Lys)

Gene: BBS5 (Bardet-Biedl syndrome 5; plus strand). Cytogenetic location: 2q31.1.
Variant type: single nucleotide variant.
Coding change: c.197G>A on transcript NM_152384.3 (MANE Select); coding-DNA position 197, G replaced by A.
Protein change: p.Arg66Lys; replaces arginine 66 with lysine.
Molecular consequence: missense variant.
Genome position (GRCh38, 1-based): chr2:169,487,123, G>A. VCF-style: chr2-169487123-G-A. GRCh37 (hg19) VCF-style: chr2-170343633-G-A.
Other names: c.197G>A (NM_152384.2); short protein forms R66K.
Identifiers: ClinVar variation 1381795 (VCV001381795.9), dbSNP rs200250398, ClinGen allele CA1956140.